The following is an entry in ClinVar:

ClinVar aggregate classification (germline): Uncertain significance (1 of 4 stars; one submission).

Conditions:
Arrhythmogenic cardiomyopathy with wooly hair and keratoderma. Also called: Dilated cardiomyopathy with woolly hair and keratoderma; Arrhythmogenic cardiomyopathy with woolly hair and keratoderma; Carvajal syndrome; PALMOPLANTAR KERATODERMA WITH LEFT VENTRICULAR CARDIOMYOPATHY AND WOOLLY HAIR. Identifiers: Orphanet 65282, MedGen C1854063, MONDO:0011581, OMIM 605676.
Arrhythmogenic right ventricular dysplasia 8 (ARVD8). Also called: Arrhythmogenic Right Ventricular Dysplasia/Cardiomyopathy 8; ARRHYTHMOGENIC RIGHT VENTRICULAR DYSPLASIA, FAMILIAL, 8; ARRHYTHMOGENIC RIGHT VENTRICULAR CARDIOMYOPATHY 8. Identifiers: MedGen C1843896, MONDO:0011831, OMIM 607450.

Submission:

Labcorp Genetics (formerly Invitae), Labcorp
Classification: Uncertain significance for Arrhythmogenic cardiomyopathy with wooly hair and keratoderma; Arrhythmogenic right ventricular dysplasia 8. Last evaluated: 2022-04-11. Review status: criteria provided, single submitter. Criteria: Invitae Variant Classification Sherloc (09022015). Collection method: clinical testing. Allele origin: germline.
Comment: This sequence change replaces aspartic acid, which is acidic and polar, with asparagine, which is neutral and polar, at codon 116 of the DSP protein (p.Asp116Asn). This variant is not present in population databases (gnomAD no frequency). This variant has not been reported in the literature in individuals affected with DSP-related conditions. Algorithms developed to predict the effect of missense changes on protein structure and function are either unavailable or do not agree on the potential impact of this missense change (SIFT: "Deleterious"; PolyPhen-2: "Benign"; Align-GVGD: "Class C0"). In summary, the available evidence is currently insufficient to determine the role of this variant in disease. Therefore, it has been classified as a Variant of Uncertain Significance.

NM_004415.4(DSP):c.346G>A (p.Asp116Asn)

Gene: DSP (desmoplakin; plus strand). Cytogenetic location: 6p24.3.
Variant type: single nucleotide variant.
Coding change: c.346G>A on transcript NM_004415.4 (MANE Select); coding-DNA position 346, G replaced by A.
Protein change: p.Asp116Asn; replaces aspartic acid 116 with asparagine.
Molecular consequence: missense variant.
Genome position (GRCh38, 1-based): chr6:7,558,188, G>A. VCF-style: chr6-7558188-G-A. GRCh37 (hg19) VCF-style: chr6-7558421-G-A.
Other names: c.346G>A, p.Asp116Asn (NM_001008844.3, NM_001319034.2, NM_001406591.1); short protein forms D116N.
Identifiers: ClinVar variation 2081090 (VCV002081090.4), dbSNP rs2533849383, ClinGen allele CA362671250.